The following is an entry in ClinVar:

NM_174934.4(SCN4B):c.128C>T (p.Ala43Val)

Gene: SCN4B (sodium voltage-gated channel beta subunit 4; minus strand). Cytogenetic location: 11q23.3.
Variant type: single nucleotide variant.
Coding change: c.128C>T on transcript NM_174934.4 (MANE Select); coding-DNA position 128, C replaced by T.
Protein change: p.Ala43Val; replaces alanine 43 with valine.
Molecular consequence: missense variant. On other transcripts: 5 prime UTR variant (1), non-coding transcript variant (1), intron variant (1).
Genome position (GRCh38, 1-based): chr11:118,145,163, G>A on the plus strand (C>T on the coding strand, the complement: SCN4B is on the minus strand). VCF-style: chr11-118145163-G-A. GRCh37 (hg19) VCF-style: chr11-118015878-G-A.
Other names: c.-203C>T (NM_001142349.2); c.62-3827C>T (NM_001142348.2); short protein forms A43V.
Identifiers: ClinVar variation 3229286 (VCV003229286.1), dbSNP rs2497567496, ClinGen allele CA382778834.

ClinVar aggregate classification (germline): Uncertain significance (1 of 4 stars; one submission).

Conditions:
Cardiovascular phenotype. Identifiers: MedGen CN230736.

Submission:

Ambry Genetics
Classification: Uncertain significance for Cardiovascular phenotype. Last evaluated: 2023-12-23. Review status: criteria provided, single submitter. Criteria: Ambry Variant Classification Scheme 2023. Collection method: clinical testing. Allele origin: germline.
Comment: The p.A43V variant (also known as c.128C>T), located in coding exon 2 of the SCN4B gene, results from a C to T substitution at nucleotide position 128. The alanine at codon 43 is replaced by valine, an amino acid with similar properties. This amino acid position is conserved. In addition, this alteration is predicted to be tolerated by in silico analysis. Since supporting evidence is limited at this time, the clinical significance of this alteration remains unclear.